The following is an entry in ClinVar:

ClinVar aggregate classification (germline): Conflicting classifications of pathogenicity. Review status: criteria provided, conflicting classifications (1 of 4 stars). 9 submissions from 9 submitters: Uncertain significance (1); Benign (3); Likely benign (1). 4 of the submissions do not count toward it. Last evaluated 2026-02-01.

Conditions:
Dilated cardiomyopathy 1JJ (CMD1JJ). Identifiers: Orphanet 154, MedGen C3808935, MONDO:0014095, OMIM 615235.

Allele frequency attached by ClinVar (database versions not stated): ESP Exome Variant Server 0.00054; gnomAD 0.00056 and 0.00060; TOPMed 0.00066.
gnomAD v4.1: 1,452 of 1,543,742 alleles (0.094%); highest among the groups gnomAD compares: Non-Finnish European, 0.12%; 2 homozygotes.

Submissions (9):

Labcorp Genetics (formerly Invitae), Labcorp
Classification: Benign for Dilated cardiomyopathy 1JJ. Last evaluated: 2026-02-01. Review status: criteria provided, single submitter. Criteria: Invitae Variant Classification Sherloc (09022015). Collection method: clinical testing. Allele origin: germline.

Blueprint Genetics
Classification: Likely benign. Last evaluated: 2024-09-30. Review status: criteria provided, single submitter. Criteria: ACMG Guidelines, 2015. Collection method: clinical testing. Allele origin: germline.

Women's Health and Genetics/Laboratory Corporation of America, LabCorp
Classification: Benign. Last evaluated: 2024-01-28. Review status: criteria provided, single submitter. Criteria: LabCorp Variant Classification Summary - May 2015. Collection method: clinical testing. Allele origin: germline.

GeneDx
Classification: Benign. Last evaluated: 2015-09-15. Review status: criteria provided, single submitter. Criteria: GeneDx Variant Classification (06012015). Collection method: clinical testing. Allele origin: germline. Affected: yes.
Comment: This variant is considered likely benign or benign based on one or more of the following criteria: it is a conservative change, it occurs at a poorly conserved position in the protein, it is predicted to be benign by multiple in silico algorithms, and/or has population frequency not consistent with disease.

Laboratory for Molecular Medicine, Mass General Brigham Personalized Medicine
Classification: Uncertain significance. Last evaluated: 2012-03-13. Review status: criteria provided, single submitter. Criteria: LMM Criteria. Collection method: clinical testing. Allele origin: germline. Observed: 2 variant alleles.
Comment: Variant classified as Uncertain Significance - Favor Benign. The 196-15G>C varia nt (LAMA4) has been identified in 4/7020 European American chromosomes from a br oad population by the NHLBI Exome Sequencing Project (du/EVS). This variant is located in the 3' splice region, but does not alter the invariant -1 or -2 positions. Computational tools do not predict altered splici ng, though this information is not predictive enough to rule out pathogenicity. While the frequency of this variant suggests that it is more likely benign, it i s too low to confidently rule out a disease causing role. Additional information is needed to fully assess its clinical significance.

Clinical Genetics DNA and cytogenetics Diagnostics Lab, Erasmus MC, Erasmus Medical Center
Classification: Likely benign. Review status: no assertion criteria provided. Collection method: clinical testing. Allele origin: germline. Affected: yes. Study: VKGL Data-share Consensus. Not counted in ClinVar's aggregate classification.

Clinical Genetics, Academic Medical Center
Classification: Benign. Review status: no assertion criteria provided. Collection method: clinical testing. Allele origin: germline. Affected: yes. Study: VKGL Data-share Consensus. Not counted in ClinVar's aggregate classification.

Genome Diagnostics Laboratory, University Medical Center Utrecht
Classification: Likely benign. Review status: no assertion criteria provided. Collection method: clinical testing. Allele origin: germline. Affected: yes. Study: VKGL Data-share Consensus. Not counted in ClinVar's aggregate classification.

Joint Genome Diagnostic Labs from Nijmegen and Maastricht, Radboudumc and MUMC+
Classification: Likely benign. Review status: no assertion criteria provided. Collection method: clinical testing. Allele origin: germline. Affected: yes. Study: VKGL Data-share Consensus. Not counted in ClinVar's aggregate classification.

NM_001105206.3(LAMA4):c.196-15G>C

Gene: LAMA4 (laminin subunit alpha 4; minus strand). Cytogenetic location: 6q21.
Variant type: single nucleotide variant.
Coding change: c.196-15G>C on transcript NM_001105206.3 (MANE Select); 15 bases into the intron before coding-DNA position 196, G replaced by C.
Molecular consequence: intron variant.
Genome position (GRCh38, 1-based): chr6:112,216,484, C>G on the plus strand (G>C on the coding strand, the complement: LAMA4 is on the minus strand). VCF-style: chr6-112216484-C-G. GRCh37 (hg19) VCF-style: chr6-112537685-C-G.
Other names: c.196-15G>C (NM_002290.5, NM_001105207.3).
Identifiers: ClinVar variation 44355 (VCV000044355.20), dbSNP rs371906362, ClinGen allele CA134015.
Genomic context (GRCh38, chr6:112,216,484, plus strand): 5'-GCACACATTCTCCCGACAGGGTGTGAAAGAATCCAGCATTGCATTTCTGCAACAGACACA[C>G]CAAACCATTTTGATTATTGAAAAGATTGATTTTGGTCAATATTTTCTGAGAAGAAATCAG-3'